The following is an entry in ClinVar:

NM_001363711.2(DUOX2):c.542G>T (p.Gly181Val)

Gene: DUOX2 (dual oxidase 2; minus strand). Cytogenetic location: 15q21.1.
Variant type: single nucleotide variant.
Coding change: c.542G>T on transcript NM_001363711.2 (MANE Select); coding-DNA position 542, G replaced by T.
Protein change: p.Gly181Val; replaces glycine 181 with valine.
Molecular consequence: missense variant.
Genome position (GRCh38, 1-based): chr15:45,111,557, C>A on the plus strand (G>T on the coding strand, the complement: DUOX2 is on the minus strand). VCF-style: chr15-45111557-C-A. GRCh37 (hg19) VCF-style: chr15-45403755-C-A.
Other names: c.542G>T, p.Gly181Val (NM_014080.5); short protein forms G181V.
Identifiers: ClinVar variation 3900156 (VCV003900156.1).

ClinVar aggregate classification (germline): Uncertain significance (1 of 4 stars; one submission).

Submission:

GeneDx
Classification: Uncertain significance. Last evaluated: 2024-11-26. Review status: criteria provided, single submitter. Criteria: GeneDx Variant Classification Process June 2021. Collection method: clinical testing. Allele origin: germline. Affected: yes.
Comment: Has not been previously published as pathogenic or benign to our knowledge; Not observed at significant frequency in large population cohorts (gnomAD); In silico analysis supports that this missense variant has a deleterious effect on protein structure/function